The following is an entry in ClinVar:

ClinVar aggregate classification (germline): Likely benign. Review status: criteria provided, single submitter (1 of 4 stars). 2 submissions from 2 submitters: Likely benign (1). 1 of the submissions does not count toward it. Last evaluated 2024-10-16.

Conditions:
PDE1C-related disorder. Also called: PDE1C-related condition.

Allele frequency attached by ClinVar (database versions not stated): ExAC 0.00131; 1000 Genomes Project 0.00379; 1000 Genomes Project 30x 0.00390; gnomAD 0.00403; TOPMed 0.00436; ESP Exome Variant Server 0.00461.
gnomAD v4.1: 1,906 of 1,614,020 alleles (0.12%); highest among the groups gnomAD compares: African/African-American, 1.3%; 8 homozygotes.

Submissions (2):

Blueprint Genetics
Classification: Likely benign. Last evaluated: 2024-10-16. Review status: criteria provided, single submitter. Criteria: ACMG Guidelines, 2015. Collection method: clinical testing. Allele origin: germline.

PreventionGenetics, part of Exact Sciences
Classification: Benign for PDE1C-related condition. Last evaluated: 2019-07-30. Review status: no assertion criteria provided. Collection method: clinical testing. Allele origin: germline. Not counted in ClinVar's aggregate classification.
Comment: This variant is classified as benign based on ACMG/AMP sequence variant interpretation guidelines (Richards et al. 2015 PMID: 25741868, with internal and published modifications).

NM_001191057.4(PDE1C):c.696C>T (p.His232=)

Gene: PDE1C (phosphodiesterase 1C; minus strand). Cytogenetic location: 7p14.3.
Variant type: single nucleotide variant.
Coding change: c.696C>T on transcript NM_001191057.4 (MANE Select); coding-DNA position 696, C replaced by T.
Protein change: p.His232=; no amino-acid change (histidine 232 retained).
Molecular consequence: synonymous variant.
Genome position (GRCh38, 1-based): chr7:31,864,996, G>A on the plus strand (C>T on the coding strand, the complement: PDE1C is on the minus strand). VCF-style: chr7-31864996-G-A. GRCh37 (hg19) VCF-style: chr7-31904610-G-A.
Other names: c.696C>T, p.His232= (NM_001191056.3, NM_001191059.4, NM_001322055.2 and 3 more transcripts); c.876C>T, p.His292= (NM_001191058.4, NM_001322058.2); c.1101C>T, p.His367= (NM_001322059.2).
Identifiers: ClinVar variation 3055520 (VCV003055520.3), dbSNP rs61734907, ClinGen allele CA4211142.